The following is an entry in ClinVar:

NM_003242.6(TGFBR2):c.1118T>A (p.Met373Lys)

Gene: TGFBR2 (transforming growth factor beta receptor 2; plus strand). Cytogenetic location: 3p24.1.
Variant type: single nucleotide variant.
Coding change: c.1118T>A on transcript NM_003242.6 (MANE Select); coding-DNA position 1118, T replaced by A.
Protein change: p.Met373Lys; replaces methionine 373 with lysine.
Molecular consequence: missense variant.
Genome position (GRCh38, 1-based): chr3:30,672,301, T>A. VCF-style: chr3-30672301-T-A. GRCh37 (hg19) VCF-style: chr3-30713793-T-A.
Other names: c.1193T>A, p.Met398Lys (NM_001024847.3); c.1301T>A, p.Met434Lys (NM_001407126.1); c.1226T>A, p.Met409Lys (NM_001407127.1); c.1145T>A, p.Met382Lys (NM_001407128.1); c.1121T>A, p.Met374Lys (NM_001407129.1); c.1118T>A, p.Met373Lys (NM_001407130.1); c.1013T>A, p.Met338Lys (NM_001407132.1, NM_001407133.1, NM_001407134.1 and 2 more transcripts); c.833T>A, p.Met278Lys (NM_001407137.1); and 1 more; short protein forms M373K, M398K, M374K, M434K, M253K, M278K, M338K, M409K.
Identifiers: ClinVar variation 918722 (VCV000918722.6), dbSNP rs1699357750, ClinGen allele CA351808576.

ClinVar aggregate classification (germline): Uncertain significance (1 of 4 stars; one submission).

Conditions:
Familial thoracic aortic aneurysm and aortic dissection (TAAD). Also called: Thoracic aortic aneurysms and dissections. Identifiers: Orphanet 91387, MedGen C4707243, MONDO:0019625.

Allele frequency attached by ClinVar (database versions not stated): gnomAD exomes below 0.00001.
gnomAD v4.1: 1 of 1,608,014 alleles (0.000062%); highest among the groups gnomAD compares: Non-Finnish European, 0.000085%; no homozygotes.

Submission:

Color Diagnostics, LLC DBA Color Health
Classification: Uncertain significance for Familial thoracic aortic aneurysm and aortic dissection. Last evaluated: 2025-03-20. Review status: criteria provided, single submitter. Criteria: ACMG Guidelines, 2015. Collection method: clinical testing. Allele origin: germline.
Comment: This missense variant replaces methionine with lysine at codon 373 of the TGFBR2 protein. Computational prediction suggests that this variant may not impact protein structure and function. To our knowledge, functional studies have not been reported for this variant. This variant has not been reported in individuals affected with TGFBR2-related disorders in the literature. This variant has not been identified in the general population by the Genome Aggregation Database (gnomAD). The available evidence is insufficient to determine the role of this variant in disease conclusively. Therefore, this variant is classified as a Variant of Uncertain Significance.